The following is an entry in ClinVar:

ClinVar aggregate classification (germline): Pathogenic (1 of 4 stars; one submission).

Allele frequency attached by ClinVar (database versions not stated): gnomAD exomes below 0.00001.

Submission:

Labcorp Genetics (formerly Invitae), Labcorp
Classification: Pathogenic. Last evaluated: 2022-05-15. Review status: criteria provided, single submitter. Criteria: Invitae Variant Classification Sherloc (09022015). Collection method: clinical testing. Allele origin: germline.
Comment: For these reasons, this variant has been classified as Pathogenic. This variant has not been reported in the literature in individuals affected with SEC63-related conditions. This variant is not present in population databases (gnomAD no frequency). This sequence change creates a premature translational stop signal (p.Glu352Valfs*4) in the SEC63 gene. It is expected to result in an absent or disrupted protein product. Loss-of-function variants in SEC63 are known to be pathogenic (PMID: 20095989, 28375157).

Literature cited by the submitters: PubMed 20095989; PubMed 28375157.

NM_007214.5(SEC63):c.1052_1053insGGTGGAAATAT (p.Glu352fs)

Gene: SEC63 (SEC63 protein translocation regulator; minus strand). Cytogenetic location: 6q21.
Variant type: Insertion.
Coding change: c.1052_1053insGGTGGAAATAT on transcript NM_007214.5 (MANE Select); coding-DNA positions 1052 to 1053, GGTGGAAATAT inserted.
Protein change: p.Glu352fs; shifts the reading frame from glutamic acid 352.
Molecular consequence: frameshift variant.
Genome position: GRCh38 VCF-style: chr6-107904630-T-TATATTTCCACC. GRCh37 (hg19) VCF-style: chr6-108225834-T-TATATTTCCACC.
Other names: short protein forms E352fs.
Identifiers: ClinVar variation 1945120 (VCV001945120.5), dbSNP rs2482064962, ClinGen allele CA2580074713.